The following is an entry in ClinVar:

ClinVar aggregate classification (germline): Conflicting classifications of pathogenicity. Review status: criteria provided, conflicting classifications (1 of 4 stars). 5 submissions from 5 submitters: Uncertain significance (4); Likely benign (1). Last evaluated 2026-02-11.

Conditions:
Basal cell nevus syndrome 2 (BCNS2). Also called: NEVOID BASAL CELL CARCINOMA SYNDROME 2. Identifiers: MedGen C5830451, MONDO:0958189, OMIM 620343.
Gorlin syndrome. Also called: Nevoid Basal Cell Carcinoma Syndrome; Basal cell nevus syndrome. Identifiers: Orphanet 377, MedGen C0004779, MONDO:0007187.
Medulloblastoma (MDB). Also called: Medulloblastoma, somatic; MEDULLOBLASTOMA PREDISPOSITION SYNDROME. Identifiers: Orphanet 616, MedGen C0025149, MeSH D008527, MONDO:0007959, OMIM 155255, HP:0002885.
Hereditary cancer-predisposing syndrome. Also called: Neoplastic Syndromes, Hereditary; Hereditary neoplastic syndrome; Tumor predisposition; Hereditary Cancer Syndrome. Identifiers: Orphanet 140162, MedGen C0027672, MeSH D009386, MONDO:0015356.
Familial meningioma. Also called: Meningioma, familial, susceptibility to. Identifiers: Orphanet 263662, MedGen C3551915, MONDO:0011789, OMIM 607174.

Allele frequency attached by ClinVar (database versions not stated): gnomAD 0.00001; TOPMed 0.00001; ESP Exome Variant Server 0.00015.
gnomAD v4.1: 31 of 1,613,858 alleles (0.0019%); highest among the groups gnomAD compares: Non-Finnish European, 0.002%; no homozygotes.

Submissions (5):

St. Jude Molecular Pathology, St. Jude Children's Research Hospital
Classification: Uncertain significance for Basal cell nevus syndrome 2. Last evaluated: 2026-02-11. Review status: criteria provided, single submitter. Criteria: St. Jude Assertion Criteria 2020. Collection method: clinical testing. Allele origin: germline.
Comment: The SUFU c.1016G>A p.(Arg339Gln) has a maximum subpopulation frequency of 0.0035% in gnomAD v2.1.1 . The in silico tool REVEL predicts a benign effect on protein function, but to our knowledge this prediction has not been confirmed by functional studies. To our knowledge, this variant has not been reported in individuals with nevoid basal cell carcinoma syndrome. In summary, the evidence currently available is insufficient to determine the clinical significance of this variant. It has therefore been classified as of uncertain significance.

Labcorp Genetics (formerly Invitae), Labcorp
Classification: Uncertain significance for Gorlin syndrome; Medulloblastoma. Last evaluated: 2025-10-27. Review status: criteria provided, single submitter. Criteria: Invitae Variant Classification Sherloc (09022015). Collection method: clinical testing. Allele origin: germline.
Comment: This sequence change replaces arginine, which is basic and polar, with glutamine, which is neutral and polar, at codon 339 of the SUFU protein (p.Arg339Gln). This variant is present in population databases (rs369910221, gnomAD 0.007%). This variant has not been reported in the literature in individuals affected with SUFU-related conditions. ClinVar contains an entry for this variant (Variation ID: 663073). Invitae Evidence Modeling of protein sequence and biophysical properties (such as structural, functional, and spatial information, amino acid conservation, physicochemical variation, residue mobility, and thermodynamic stability) indicates that this missense variant is not expected to disrupt SUFU protein function with a negative predictive value of 80%. RNA analysis performed to evaluate the impact of this missense change on mRNA splicing indicates it does not significantly alter splicing (internal data). In summary, the available evidence is currently insufficient to determine the role of this variant in disease. Therefore, it has been classified as a Variant of Uncertain Significance.

Baylor Genetics
Classification: Uncertain significance for Familial meningioma. Last evaluated: 2023-10-05. Review status: criteria provided, single submitter. Criteria: ACMG Guidelines, 2015. Collection method: clinical testing. Allele origin: unknown.

Ambry Genetics
Classification: Likely benign for Hereditary cancer-predisposing syndrome. Last evaluated: 2023-04-20. Review status: criteria provided, single submitter. Criteria: Ambry Variant Classification Scheme 2023. Collection method: clinical testing. Allele origin: germline.

Sema4
Classification: Uncertain significance for Hereditary cancer-predisposing syndrome. Last evaluated: 2021-08-26. Review status: criteria provided, single submitter. Criteria: Sema4 Curation Guidelines. Collection method: curation. Allele origin: germline.
Comment: The SUFU c.1016G>A (p.R339Q) variant has not been reported in the literature to our knowledge. It was observed in 4/113526 chromosomes of the Non-Finnish European subpopulation in the large and broad cohorts of the Genome Aggregation Database (PMID: 32461654). The variant has been reported in ClinVar (Variation ID 663073). Functional studies have not been performed, and in silico predictions of the variant's effect on protein function are inconclusive. The evidence is insufficient to meet ACMG/AMP criteria for classifying the variant as benign or pathogenic. Thus, the clinical significance of this variant is currently uncertain.

NM_016169.4(SUFU):c.1016G>A (p.Arg339Gln)

Gene: SUFU (SUFU negative regulator of hedgehog signaling; plus strand). Cytogenetic location: 10q24.32.
Variant type: single nucleotide variant.
Coding change: c.1016G>A on transcript NM_016169.4 (MANE Select); coding-DNA position 1016, G replaced by A.
Protein change: p.Arg339Gln; replaces arginine 339 with glutamine.
Molecular consequence: missense variant.
Genome position (GRCh38, 1-based): chr10:102,599,538, G>A. VCF-style: chr10-102599538-G-A. GRCh37 (hg19) VCF-style: chr10-104359295-G-A.
Other names: c.1016G>A, p.Arg339Gln (NM_001178133.2); short protein forms R339Q.
Identifiers: ClinVar variation 663073 (VCV000663073.17), dbSNP rs369910221, ClinGen allele CA5667841.